The following is an entry in ClinVar:

NM_000038.6(APC):c.835-1435T>C

Gene: APC (APC regulator of WNT signaling pathway; plus strand). Cytogenetic location: 5q22.2.
Variant type: single nucleotide variant.
Coding change: c.835-1435T>C on transcript NM_000038.6 (MANE Select); 1435 bases into the intron before coding-DNA position 835, T replaced by C.
Molecular consequence: intron variant.
Genome position (GRCh38, 1-based): chr5:112,814,060, T>C. VCF-style: chr5-112814060-T-C. GRCh37 (hg19) VCF-style: chr5-112149757-T-C.
Other names: c.835-1435T>C (NM_001354895.2, NM_001127510.3, NM_001354896.2 and 1 more transcripts); c.865-1435T>C (NM_001354897.2, NM_001354902.2); c.781-1435T>C (NM_001127511.3); c.760-1435T>C (NM_001354898.2, NM_001354904.2); c.-15-1435T>C (NM_001354906.2); c.751-1435T>C (NM_001354899.2); c.658-1435T>C (NM_001354900.2, NM_001354901.2, NM_001354905.2).
Identifiers: ClinVar variation 83089 (VCV000083089.2), dbSNP rs2545169, ClinGen allele CA015087.
Genomic context (GRCh38, chr5:112,814,060, plus strand): 5'-TTACTAATAGCTCCTCATTTATTTATAATTCAACAAATATTCTGTGGATACCTACTAAGC[T>C]TAAGACCACCCTTGGTACTAAGAATGCAGCAGCGAACAGAATAAAGTTTCTGTCCTCAAA-3'

ClinVar aggregate classification (germline): other (0 of 4 stars; one submission).

Conditions:
Familial colorectal cancer. Identifiers: MedGen CN280943, MONDO:0023113. Disease mechanism: loss of function.

Allele frequency attached by ClinVar (database versions not stated): gnomAD 0.68827 and 0.69263; TOPMed 0.71397; 1000 Genomes Project 30x 0.78404; 1000 Genomes Project 0.78514.
gnomAD v4.1: 105,281 of 152,090 alleles (69%); highest among the groups gnomAD compares: East Asian, 91%; 37,177 homozygotes.

Submission:

Systems Biology Platform Zhejiang California International NanoSystems Institute
Classification: other for Familial colorectal cancer. Review status: no assertion criteria provided. Collection method: not provided. Allele origin: unknown.
ClinVar note: Converted during submission from cancer to other.